The following is an entry in ClinVar:

ClinVar aggregate classification (germline): Likely benign (1 of 4 stars; one submission).

gnomAD v4.1: 10 of 1,605,608 alleles (0.00062%); highest among the groups gnomAD compares: South Asian, 0.0022%; no homozygotes.

Submission:

CeGaT Center for Human Genetics Tuebingen
Classification: Likely benign. Last evaluated: 2025-03-01. Review status: criteria provided, single submitter. Criteria: CeGaT Center For Human Genetics Tuebingen Variant Classification Criteria Version 2. Collection method: clinical testing. Allele origin: germline. Affected: yes. Observed: 1 variant allele.
Comment: ARMC5: BP4, BP7

NM_001105247.2(ARMC5):c.1485G>A (p.Pro495=)

Gene: ARMC5 (armadillo repeat containing 5; plus strand). Cytogenetic location: 16p11.2.
Variant type: single nucleotide variant.
Coding change: c.1485G>A on transcript NM_001105247.2 (MANE Select); coding-DNA position 1485, G replaced by A.
Protein change: p.Pro495=; no amino-acid change (proline 495 retained).
Molecular consequence: synonymous variant.
Genome position (GRCh38, 1-based): chr16:31,464,508, G>A. VCF-style: chr16-31464508-G-A. GRCh37 (hg19) VCF-style: chr16-31475829-G-A.
Other names: c.1770G>A, p.Pro590= (NM_001288767.2); c.1581G>A, p.Pro527= (NM_001301820.1); c.1485G>A, p.Pro495= (NM_024742.2).
Identifiers: ClinVar variation 3778283 (VCV003778283.7).